The following is an entry in ClinVar:

NM_004944.4(DNASE1L3):c.407T>C (p.Val136Ala)

Gene: DNASE1L3 (deoxyribonuclease 1L3; minus strand). Cytogenetic location: 3p14.3.
Variant type: single nucleotide variant.
Coding change: c.407T>C on transcript NM_004944.4 (MANE Select); coding-DNA position 407, T replaced by C.
Protein change: p.Val136Ala; replaces valine 136 with alanine.
Molecular consequence: missense variant.
Genome position (GRCh38, 1-based): chr3:58,204,795, A>G on the plus strand (T>C on the coding strand, the complement: DNASE1L3 is on the minus strand). VCF-style: chr3-58204795-A-G. GRCh37 (hg19) VCF-style: chr3-58190522-A-G.
Other names: c.317T>C, p.Val106Ala (NM_001256560.2); short protein forms V136A, V106A.
Identifiers: ClinVar variation 1921963 (VCV001921963.5), dbSNP rs2471313553, ClinGen allele CA353340017.

ClinVar aggregate classification (germline): Uncertain significance (1 of 4 stars; one submission).

Submission:

Labcorp Genetics (formerly Invitae), Labcorp
Classification: Uncertain significance. Last evaluated: 2023-12-06. Review status: criteria provided, single submitter. Criteria: Invitae Variant Classification Sherloc (09022015). Collection method: clinical testing. Allele origin: germline.
Comment: This sequence change replaces valine, which is neutral and non-polar, with alanine, which is neutral and non-polar, at codon 136 of the DNASE1L3 protein (p.Val136Ala). This variant is not present in population databases (gnomAD no frequency). This variant has not been reported in the literature in individuals affected with DNASE1L3-related conditions. ClinVar contains an entry for this variant (Variation ID: 1921963). An algorithm developed to predict the effect of missense changes on protein structure and function (PolyPhen-2) suggests that this variant is likely to be tolerated. In summary, the available evidence is currently insufficient to determine the role of this variant in disease. Therefore, it has been classified as a Variant of Uncertain Significance.